The following is an entry in ClinVar:

ClinVar aggregate classification (germline): Pathogenic. Review status: criteria provided, multiple submitters, no conflicts (2 of 4 stars). 3 submissions from 3 submitters: Pathogenic (3). Last evaluated 2025-02-26.

Conditions:
Inborn genetic diseases. Identifiers: MedGen C0950123, MeSH D030342.

Submissions (3):

GeneDx
Classification: Pathogenic. Last evaluated: 2025-02-26. Review status: criteria provided, single submitter. Criteria: GeneDx Variant Classification Process June 2021. Collection method: clinical testing. Allele origin: germline. Affected: yes.
Comment: Frameshift variant predicted to result in protein truncation or nonsense mediated decay in a gene for which loss of function is a known mechanism of disease; Not observed at significant frequency in large population cohorts (gnomAD); This variant is associated with the following publications: (PMID: 9734595)

Labcorp Genetics (formerly Invitae), Labcorp
Classification: Pathogenic. Last evaluated: 2022-06-30. Review status: criteria provided, single submitter. Criteria: Invitae Variant Classification Sherloc (09022015). Collection method: clinical testing. Allele origin: germline.
Comment: For these reasons, this variant has been classified as Pathogenic. ClinVar contains an entry for this variant (Variation ID: 985500). This variant is also known as a base change of AGC→ -GC at codon 40. This premature translational stop signal has been observed in individual(s) with Dent's disease (PMID: 9734595). This variant is not present in population databases (gnomAD no frequency). This sequence change creates a premature translational stop signal (p.Ser40Alafs*8) in the CLCN5 gene. It is expected to result in an absent or disrupted protein product. Loss-of-function variants in CLCN5 are known to be pathogenic (PMID: 22876375, 25907713).

Ambry Genetics
Classification: Pathogenic for Inborn genetic diseases. Last evaluated: 2020-07-16. Review status: criteria provided, single submitter. Criteria: Ambry Variant Classification Scheme 2023. Collection method: clinical testing. Allele origin: germline.
Comment: The alteration results in a premature stop codon: _x000D_ _x000D_ The c.118delA (p.S40Afs*8) alteration, located in exon 3 (coding exon 2) of the CLCN5 gene, results from a deletion of X nucleotides from position 118, causing a translational frameshift with a predicted alternate stop codon after 8 amino acids. This alteration is expected to result in loss of function by premature protein truncation or nonsense-mediated mRNA decay. The alteration is not observed in population databases: _x000D_ _x000D_ Based on data from the Genome Aggregation Database (gnomAD), the CLCN5 c.118delA alteration was not observed, with coverage at this position. The family history also included the maternal grandfather with polyuria and renal disease, and a maternal uncle with nephrolithiasis. Based on the available evidence, this alteration is classified as pathogenic.

Literature cited by the submitters: PubMed 9734595 (cited by Labcorp Genetics (formerly Invitae), Labcorp and Ambry Genetics); PubMed 22876375 (cited by Labcorp Genetics (formerly Invitae), Labcorp); PubMed 25907713 (cited by Labcorp Genetics (formerly Invitae), Labcorp).

NM_001127898.4(CLCN5):c.328del (p.Ser110fs)

Gene: CLCN5 (chloride voltage-gated channel 5; plus strand). Cytogenetic location: Xp11.23.
Variant type: Deletion.
Coding change: c.328del on transcript NM_001127898.4 (MANE Select); coding-DNA position 328, one base deleted (A; older notation c.328delA).
Protein change: p.Ser110fs; shifts the reading frame from serine 110.
Molecular consequence: frameshift variant.
Genome position (GRCh38, 1-based): chrX:50,072,501, A deleted; the last of 4 consecutive A bases (chrX:50,072,498-50,072,501); deleting any one gives the same sequence. VCF-style (leftmost placement, unchanged base first): chrX-50072497-TA-T. GRCh37 (hg19) VCF-style: chrX-49837152-TA-T.
Other names: c.118del, p.Ser40fs (NM_000084.5); c.328del, p.Ser110fs (NM_001127899.4); c.178del, p.Ser60fs (NM_001282163.2); c.118delA (NM_000084.2); c.118del (NM_000084.2); short protein forms S110fs, S40fs, S60fs.
Identifiers: ClinVar variation 985500 (VCV000985500.8), dbSNP rs1933254254, ClinGen allele CA1133024376.
Genomic context (GRCh38, chrX:50,072,497, plus strand): 5'-GTGAAAAAATGGTGTGTGTAGAGTGTACCAATGTTTTCTCATTTTCCCCTAGATTACCAA[TA>T]AAAGCAAAGAGTCAACATGGGCCTTAATTCACAGTGTGAGTGATGCTTTTTCCGGCTGGT-3'